The following is an entry in ClinVar:

ClinVar aggregate classification (germline): Likely benign (1 of 4 stars; one submission).

gnomAD v4.1: 1 of 1,611,872 alleles (0.000062%); highest among the groups gnomAD compares: East Asian, 0.0022%; no homozygotes.

Submission:

Laboratory for Molecular Medicine, Mass General Brigham Personalized Medicine
Classification: Likely benign. Last evaluated: 2019-05-22. Review status: criteria provided, single submitter. Criteria: LMM Criteria. Collection method: clinical testing. Allele origin: germline. Observed: 1 variant allele.
Comment: The p.His518Gln variant in EDNRB is classified as likely benign due to a lack of conservation across species. Three mammals (David's myotis, microbat, big brown bat) carry a glutamine (Gln) at this position despite high nearby amino acid conservation. It has been identified in 0.06% (1/1544) of East Asian chromosomes by gnomAD. ACMG/AMP Criteria applied: BP4_Strong.

NM_001122659.3(EDNRB):c.1284C>A (p.His428Gln)

Genes: EDNRB (endothelin receptor type B; minus strand), EDNRB-AS1 (EDNRB antisense RNA 1; plus strand). Cytogenetic location: 13q22.3.
Variant type: single nucleotide variant.
Coding change: c.1284C>A on transcript NM_001122659.3 (MANE Select); coding-DNA position 1284, C replaced by A.
Protein change: p.His428Gln; replaces histidine 428 with glutamine.
Molecular consequence: missense variant. On other transcripts: intron variant (1).
Genome position (GRCh38, 1-based): chr13:77,898,245, G>T on the plus strand (C>A on the coding strand, the complement: EDNRB is on the minus strand). VCF-style: chr13-77898245-G-T. GRCh37 (hg19) VCF-style: chr13-78472380-G-T.
Other names: c.1284C>A, p.His428Gln (NM_000115.5); c.1554C>A, p.His518Gln (NM_001201397.2); c.1194+1614C>A (NM_003991.4); short protein forms H428Q, H518Q.
Identifiers: ClinVar variation 929874 (VCV000929874.4), dbSNP rs754498240, ClinGen allele CA388450370.
Genomic context (GRCh38, chr13:77,898,245, plus strand): 5'-TGAATAGTTCTTCTTTCAAGATGAGCTGTATTTATTACTGGAACGGAAGTTGTCATATCC[G>T]TGATCATTAGCTTTGAACTTTAAGCACGACTGCTTTTCCTCCAAGGACTGTTTTTCTTCA-3'
Protein context (NP_001116131.1, residues 418-438): QSCLKFKAND[His428Gln]GYDNFRSSNK